The following is an entry in ClinVar:

NM_002516.4(NOVA2):c.1363C>T (p.Arg455Trp)

Gene: NOVA2 (NOVA alternative splicing regulator 2; minus strand). Cytogenetic location: 19q13.32.
Variant type: single nucleotide variant.
Coding change: c.1363C>T on transcript NM_002516.4 (MANE Select); coding-DNA position 1363, C replaced by T.
Protein change: p.Arg455Trp; replaces arginine 455 with tryptophan.
Molecular consequence: missense variant.
Genome position (GRCh38, 1-based): chr19:45,939,979, G>A on the plus strand (C>T on the coding strand, the complement: NOVA2 is on the minus strand). VCF-style: chr19-45939979-G-A. GRCh37 (hg19) VCF-style: chr19-46443237-G-A.
Other names: short protein forms R455W.
Identifiers: ClinVar variation 3381642 (VCV003381642.1).
Genomic context (GRCh38, chr19:45,939,979, plus strand): 5'-GACTGATGAGGTATTGAGCGGCTTGCGTGGCCGCGGGGCTGCCCGTGATGGTGACCCGCC[G>A]GTTCCGCGTGCCTGGCAGGAACTCGCCCTTCTTGGAGATCTGGATGCGAGCGCCCGTCAG-3'
Protein context (NP_002507.1, residues 445-465): KGEFLPGTRN[Arg455Trp]RVTITGSPAA

ClinVar aggregate classification (germline): Uncertain significance (1 of 4 stars; one submission).

Submission:

GeneDx
Classification: Uncertain significance. Last evaluated: 2024-05-25. Review status: criteria provided, single submitter. Criteria: GeneDx Variant Classification Process June 2021. Collection method: clinical testing. Allele origin: germline. Affected: yes.
Comment: Not observed at significant frequency in large population cohorts (gnomAD); In silico analysis supports that this missense variant has a deleterious effect on protein structure/function; Has not been previously published as pathogenic or benign to our knowledge